The following is an entry in ClinVar:

ClinVar aggregate classification (germline): Uncertain significance (1 of 4 stars; one submission).

Submission:

CeGaT Center for Human Genetics Tuebingen
Classification: Uncertain significance. Last evaluated: 2022-07-01. Review status: criteria provided, single submitter. Criteria: CeGaT Center For Human Genetics Tuebingen Variant Classification Criteria Version 2. Collection method: clinical testing. Allele origin: germline. Affected: yes. Observed: 1 variant allele.
Comment: MYBPH: PM2

NM_004997.3(MYBPH):c.1332dup (p.Ser445fs)

Gene: MYBPH (myosin binding protein H; minus strand). Cytogenetic location: 1q32.1.
Variant type: Duplication.
Coding change: c.1332dup on transcript NM_004997.3 (MANE Select); coding-DNA position 1332, one base duplicated (C; older notation c.1332dupC).
Protein change: p.Ser445fs; shifts the reading frame from serine 445.
Molecular consequence: frameshift variant.
Genome position (GRCh38, 1-based): chr1:203,168,991, G duplicated on the plus strand (C on the coding strand, the reverse complement: MYBPH is on the minus strand); the first of 3 consecutive G bases (chr1:203,168,991-203,168,993); duplicating any one gives the same sequence. VCF-style (leftmost placement, unchanged base first): chr1-203168990-T-TG. GRCh37 (hg19) VCF-style: chr1-203138118-T-TG.
Other names: short protein forms S445fs.
Identifiers: ClinVar variation 2639815 (VCV002639815.24), dbSNP rs2528218713, ClinGen allele CA2695199963.
Genomic context (GRCh38, chr1:203,168,990, plus strand): 5'-CAGATGCCTCCCCCAGCACATTTATGGCCTTGCAGGTGTAGACCCCAGAATCAAAGGGGC[T>TG]GGGTTTCCGGATCTCTAGGGTGCAGACGCCTTGCTCAGAGAGGGCGCGGTATTTGGGGTT-3'